The following is an entry in ClinVar:

NM_001042492.3(NF1):c.1252A>G (p.Ile418Val)

Gene: NF1 (neurofibromin 1; plus strand). Cytogenetic location: 17q11.2.
Variant type: single nucleotide variant.
Coding change: c.1252A>G on transcript NM_001042492.3 (MANE Select); coding-DNA position 1252, A replaced by G.
Protein change: p.Ile418Val; replaces isoleucine 418 with valine.
Molecular consequence: missense variant.
Genome position (GRCh38, 1-based): chr17:31,201,477, A>G. VCF-style: chr17-31201477-A-G. GRCh37 (hg19) VCF-style: chr17-29528495-A-G.
Other names: c.1252A>G, p.Ile418Val (NM_000267.4, NM_001128147.3); short protein forms I418V.
Identifiers: ClinVar variation 818700 (VCV000818700.12), dbSNP rs1597682898, ClinGen allele CA398997743.
Genomic context (GRCh38, chr17:31,201,477, plus strand): 5'-CTGGCTCAGAATTCACCTTCTACATTTCACTATGTGCTGGTAAATTCACTCCATCGAATC[A>G]TCACCAATGTAAGTCCAAAAGGTATTGCTAAATTACTAAAAAAATTTTTTTCTTTCTTTT-3'
Protein context (NP_001035957.1, residues 408-428): YVLVNSLHRI[Ile418Val]TNSALDWWPK

ClinVar aggregate classification (germline): Conflicting classifications of pathogenicity. Review status: criteria provided, conflicting classifications (1 of 4 stars). 4 submissions from 4 submitters: Uncertain significance (3); Likely benign (1). Last evaluated 2025-08-11.

Conditions:
Hereditary cancer-predisposing syndrome. Also called: Hereditary Cancer Syndrome; Neoplastic Syndromes, Hereditary; Hereditary neoplastic syndrome; Tumor predisposition. Identifiers: Orphanet 140162, MedGen C0027672, MeSH D009386, MONDO:0015356.
Cardiovascular phenotype. Identifiers: MedGen CN230736.
Neurofibromatosis, type 1 (NF1). Also called: Peripheral type neurofibromatosis; Neurofibromatosis, type I; NEUROFIBROMATOSIS, TYPE I, SOMATIC; VON RECKLINGHAUSEN DISEASE. Identifiers: Orphanet 636, MedGen C0027831, MONDO:0018975, OMIM 162200. Disease mechanism: loss of function.

Submissions (4):

Labcorp Genetics (formerly Invitae), Labcorp
Classification: Likely benign for Neurofibromatosis, type 1. Last evaluated: 2025-08-11. Review status: criteria provided, single submitter. Criteria: Invitae Variant Classification Sherloc (09022015). Collection method: clinical testing. Allele origin: germline.

GeneDx
Classification: Uncertain significance. Last evaluated: 2023-11-20. Review status: criteria provided, single submitter. Criteria: GeneDx Variant Classification Process June 2021. Collection method: clinical testing. Allele origin: germline. Affected: yes.
Comment: Not observed at significant frequency in large population cohorts (gnomAD); In silico analysis supports that this missense variant does not alter protein structure/function; Has not been previously published as pathogenic or benign to our knowledge

Ambry Genetics
Classification: Uncertain significance for Cardiovascular phenotype; Hereditary cancer-predisposing syndrome. Last evaluated: 2022-05-30. Review status: criteria provided, single submitter. Criteria: Ambry Variant Classification Scheme 2023. Collection method: clinical testing. Allele origin: germline.
Comment: The p.I418V variant (also known as c.1252A>G), located in coding exon 11 of the NF1 gene, results from an A to G substitution at nucleotide position 1252. The isoleucine at codon 418 is replaced by valine, an amino acid with highly similar properties. This amino acid position is highly conserved in available vertebrate species. In addition, this alteration is predicted to be tolerated by in silico analysis. Since supporting evidence is limited at this time, the clinical significance of this alteration remains unclear.

Genome-Nilou Lab
Classification: Uncertain significance for Neurofibromatosis, type 1. Last evaluated: 2022-03-15. Review status: criteria provided, single submitter. Criteria: ACMG Guidelines, 2015. Collection method: clinical testing. Allele origin: germline. Affected: no.